The following is an entry in ClinVar:

ClinVar aggregate classification (germline): Uncertain significance (1 of 4 stars; one submission).

Allele frequency attached by ClinVar (database versions not stated): gnomAD 0.00006; 1000 Genomes Project 30x 0.00078; TOPMed 0.00005; 1000 Genomes Project 0.00020.

Submission:

Labcorp Genetics (formerly Invitae), Labcorp
Classification: Uncertain significance. Last evaluated: 2025-10-07. Review status: criteria provided, single submitter. Criteria: Invitae Variant Classification Sherloc (09022015). Collection method: clinical testing. Allele origin: germline.
Comment: This sequence change replaces proline, which is neutral and non-polar, with leucine, which is neutral and non-polar, at codon 48 of the SIRT1 protein (p.Pro48Leu). This variant is present in population databases (rs568432780, gnomAD 0.2%). This variant has not been reported in the literature in individuals affected with SIRT1-related conditions. ClinVar contains an entry for this variant (Variation ID: 2722379). An algorithm developed to predict the effect of missense changes on protein structure and function (PolyPhen-2) suggests that this variant is likely to be disruptive. In summary, the available evidence is currently insufficient to determine the role of this variant in disease. Therefore, it has been classified as a Variant of Uncertain Significance.

NM_012238.5(SIRT1):c.143C>T (p.Pro48Leu)

Genes: SIRT1 (sirtuin 1; plus strand), LOC107832851 (SIRT1 promoter region; plus strand). Cytogenetic location: 10q21.3.
Variant type: single nucleotide variant.
Coding change: c.143C>T on transcript NM_012238.5 (MANE Select); coding-DNA position 143, C replaced by T.
Protein change: p.Pro48Leu; replaces proline 48 with leucine.
Molecular consequence: missense variant.
Genome position (GRCh38, 1-based): chr10:67,884,864, C>T. VCF-style: chr10-67884864-C-T. GRCh37 (hg19) VCF-style: chr10-69644622-C-T.
Other names: short protein forms P48L.
Identifiers: ClinVar variation 2722379 (VCV002722379.3), dbSNP rs568432780, ClinGen allele CA208364141.
Genomic context (GRCh38, chr10:67,884,864, plus strand): 5'-CCGCCGGGGAGCCGCTCCGCAAGAGGCCGCGGAGAGATGGTCCCGGCCTCGAGCGGAGCC[C>T]GGGCGAGCCCGGTGGGGCGGCCCCAGAGCGTGAGGTGCCGGCGGCGGCCAGGGGCTGCCC-3'
Protein context (NP_036370.2, residues 38-58): RRDGPGLERS[Pro48Leu]GEPGGAAPER